The following is an entry in ClinVar:

NM_000059.4(BRCA2):c.2900T>C (p.Leu967Pro)

Gene: BRCA2 (BRCA2 DNA repair associated; plus strand). Cytogenetic location: 13q13.1.
Variant type: single nucleotide variant.
Coding change: c.2900T>C on transcript NM_000059.4 (MANE Select); coding-DNA position 2900, T replaced by C.
Protein change: p.Leu967Pro; replaces leucine 967 with proline.
Molecular consequence: missense variant.
Genome position (GRCh38, 1-based): chr13:32,337,255, T>C. VCF-style: chr13-32337255-T-C. GRCh37 (hg19) VCF-style: chr13-32911392-T-C.
Other names: short protein forms L967P.
Identifiers: ClinVar variation 185423 (VCV000185423.24), dbSNP rs786202161, ClinGen allele CA016735.

ClinVar aggregate classification (germline): Conflicting classifications of pathogenicity. Review status: criteria provided, conflicting classifications (1 of 4 stars). 6 submissions from 6 submitters: Uncertain significance (5); Likely benign (1). Last evaluated 2025-09-04.

Conditions:
Hereditary cancer-predisposing syndrome. Also called: Tumor predisposition; Hereditary Cancer Syndrome; Hereditary neoplastic syndrome; Neoplastic Syndromes, Hereditary. Identifiers: Orphanet 140162, MedGen C0027672, MeSH D009386, MONDO:0015356.
Hereditary breast ovarian cancer syndrome. Also called: Breast and ovarian cancer; Hereditary breast and ovarian cancer syndrome; Hereditary breast and ovarian cancer; BRCA1- and BRCA2-Associated Hereditary Breast and Ovarian Cancer; Hereditary breast and ovarian cancer syndrome (HBOC); Hereditary breast and/or ovarian cancer syndrome. Identifiers: Orphanet 145, MedGen C0677776, MeSH D061325, MONDO:0003582. Disease mechanism: loss of function.
Breast-ovarian cancer, familial, susceptibility to, 2 (BROVCA2). Also called: BRCA2 Hereditary Breast and Ovarian Cancer. Identifiers: Orphanet 145, MedGen C2675520, MONDO:0012933, OMIM 612555. Disease mechanism: loss of function.

Submissions (6):

Women's Health and Genetics/Laboratory Corporation of America, LabCorp
Classification: Uncertain significance. Last evaluated: 2025-09-04. Review status: criteria provided, single submitter. Criteria: LabCorp Variant Classification Summary - May 2015. Collection method: clinical testing. Allele origin: germline.

Labcorp Genetics (formerly Invitae), Labcorp
Classification: Uncertain significance for Hereditary breast ovarian cancer syndrome. Last evaluated: 2025-06-11. Review status: criteria provided, single submitter. Criteria: Invitae Variant Classification Sherloc (09022015). Collection method: clinical testing. Allele origin: germline.
Comment: This sequence change replaces leucine, which is neutral and non-polar, with proline, which is neutral and non-polar, at codon 967 of the BRCA2 protein (p.Leu967Pro). This variant is not present in population databases (gnomAD no frequency). This variant has not been reported in the literature in individuals affected with BRCA2-related conditions. ClinVar contains an entry for this variant (Variation ID: 185423). Invitae Evidence Modeling of protein sequence and biophysical properties (such as structural, functional, and spatial information, amino acid conservation, physicochemical variation, residue mobility, and thermodynamic stability) indicates that this missense variant is not expected to disrupt BRCA2 protein function with a negative predictive value of 95%. In summary, the available evidence is currently insufficient to determine the role of this variant in disease. Therefore, it has been classified as a Variant of Uncertain Significance.

Color Diagnostics, LLC DBA Color Health
Classification: Uncertain significance for Hereditary cancer-predisposing syndrome. Last evaluated: 2024-06-24. Review status: criteria provided, single submitter. Criteria: ACMG Guidelines, 2015. Collection method: clinical testing. Allele origin: germline.
Comment: This missense variant replaces leucine with proline at codon 967 of the BRCA2 protein. Computational prediction suggests that this variant may not impact protein structure and function (internally defined REVEL score threshold <= 0.5, PMID: 27666373). To our knowledge, functional studies have not been reported for this variant. This variant has not been reported in individuals affected with BRCA2-related disorders in the literature. This variant has not been identified in the general population by the Genome Aggregation Database (gnomAD). The available evidence is insufficient to determine the role of this variant in disease conclusively. Therefore, this variant is classified as a Variant of Uncertain Significance.

Ambry Genetics
Classification: Uncertain significance for Hereditary cancer-predisposing syndrome. Last evaluated: 2024-06-22. Review status: criteria provided, single submitter. Criteria: Ambry Variant Classification Scheme 2023. Collection method: clinical testing. Allele origin: germline.
Comment: The p.L967P variant (also known as c.2900T>C), located in coding exon 10 of the BRCA2 gene, results from a T to C substitution at nucleotide position 2900. The leucine at codon 967 is replaced by proline, an amino acid with similar properties. This amino acid position is not well conserved in available vertebrate species. In addition, this alteration is predicted to be tolerated by in silico analysis. Since supporting evidence is limited at this time, the clinical significance of this alteration remains unclear.

All of Us Research Program, National Institutes of Health
Classification: Uncertain significance for Breast-ovarian cancer, familial, susceptibility to, 2. Last evaluated: 2023-03-28. Review status: criteria provided, single submitter. Criteria: ACMG Guidelines, 2015. Collection method: clinical testing. Allele origin: germline. Inheritance: Autosomal dominant inheritance. Observed: 1 variant allele, 1 heterozygote.
Comment: This missense variant replaces leucine with proline at codon 967 of the BRCA2 protein. Computational prediction suggests that this variant may not impact protein structure and function (internally defined REVEL score threshold <= 0.5, PMID: 27666373). Splice site prediction tools suggest that this variant may not impact RNA splicing. To our knowledge, functional studies have not been performed for this variant. This variant has not been reported in individuals affected with hereditary cancer in the literature. This variant has not been identified in the general population by the Genome Aggregation Database (gnomAD). The available evidence is insufficient to determine the role of this variant in disease conclusively. Therefore, this variant is classified as a Variant of Uncertain Significance.

This study involves interpretation of variants in research participants for the purpose of population health screening. Participant phenotype was not available at the time of variant classification. Additional details can be found in publication PMID: 35346344, PMCID: PMC8962531

University of Washington Department of Laboratory Medicine, University of Washington
Classification: Likely benign for Hereditary cancer-predisposing syndrome. Last evaluated: 2023-03-23. Review status: criteria provided, single submitter. Criteria: Dines et al. (Genet Med. 2020). Collection method: curation. Allele origin: germline.
Comment: Missense variant in a coldspot region where missense variants are very unlikely to be pathogenic (PMID:31911673).

BRCA2 exon 11 coldspot. Reclassification based on statistical prior probability.